The following is an entry in ClinVar:

ClinVar aggregate classification (germline): Likely pathogenic (1 of 4 stars; one submission).

Conditions:
Retinitis pigmentosa 12 (RP12). Also called: RP WITH OR WITHOUT PPRPE; RP WITH OR WITHOUT PRESERVED PARAARTERIOLE RETINAL PIGMENT EPITHELIUM; RETINITIS PIGMENTOSA WITH OR WITHOUT PARAARTERIOLAR PRESERVATION OF RETINAL PIGMENT EPITHELIUM. Identifiers: Orphanet 791, MedGen C1838647, MONDO:0010818, OMIM 600105.

Submission:

3billion
Classification: Likely pathogenic for Retinitis pigmentosa 12. Last evaluated: 2022-01-03. Review status: criteria provided, single submitter. Criteria: ACMG Guidelines, 2015. Collection method: clinical testing. Allele origin: germline. Affected: yes. Observed: 1 homozygote.
Comment: Canonical splice site: predicted to alter splicing and result in a loss or disruption of normal protein function through protein truncation. Multiple pathogenic variants are reported in the predicted truncated region (PVS1_VS).It is not observed in the gnomAD v2.1.1 dataset (PM2_M). Therefore, this variant is classified as likely pathogenic according to the recommendation of ACMG/AMP guideline.

NM_201253.3(CRB1):c.2128+1G>A

Gene: CRB1 (crumbs cell polarity complex component 1; plus strand). Cytogenetic location: 1q31.3.
Variant type: single nucleotide variant.
Coding change: c.2128+1G>A on transcript NM_201253.3 (MANE Select); the canonical splice donor site of the intron after coding-DNA position 2128, G replaced by A.
Molecular consequence: splice donor variant.
Genome position (GRCh38, 1-based): chr1:197,421,957, G>A. VCF-style: chr1-197421957-G-A. GRCh37 (hg19) VCF-style: chr1-197391087-G-A.
Other names: c.1921+1G>A (NM_001257965.2); c.2128+1G>A (NM_001257966.2); c.1792+1G>A (NM_001193640.2).
Identifiers: ClinVar variation 1333208 (VCV001333208.1), dbSNP rs2125472205, ClinGen allele CA344034337.